The following is an entry in ClinVar:

NM_058216.3(RAD51C):c.28A>G (p.Met10Val)

Gene: RAD51C (RAD51 paralog C; plus strand). Cytogenetic location: 17q22.
Variant type: single nucleotide variant.
Coding change: c.28A>G on transcript NM_058216.3 (MANE Select); coding-DNA position 28, A replaced by G.
Protein change: p.Met10Val; replaces methionine 10 with valine.
Molecular consequence: missense variant. On other transcripts: non-coding transcript variant (2).
Genome position (GRCh38, 1-based): chr17:58,692,671, A>G. VCF-style: chr17-58692671-A-G. GRCh37 (hg19) VCF-style: chr17-56770032-A-G.
Other names: c.28A>G, p.Met10Val (NM_002876.4, NM_058217.1); short protein forms M10V.
Identifiers: ClinVar variation 1797407 (VCV001797407.5), dbSNP rs1452865935, ClinGen allele CA400336377.

ClinVar aggregate classification (germline): Uncertain significance. Review status: criteria provided, multiple submitters, no conflicts (2 of 4 stars). 3 submissions from 3 submitters: Uncertain significance (3). Last evaluated 2023-12-20.

Conditions:
Hereditary cancer-predisposing syndrome. Also called: Neoplastic Syndromes, Hereditary; Tumor predisposition; Hereditary neoplastic syndrome; Hereditary Cancer Syndrome. Identifiers: Orphanet 140162, MedGen C0027672, MeSH D009386, MONDO:0015356.
Breast-ovarian cancer, familial, susceptibility to, 3. Also called: RAD51C-Related Breast/Ovarian Cancer. Identifiers: Orphanet 145, MedGen C3150659, MONDO:0013253, OMIM 613399.
Fanconi anemia complementation group O. Also called: RAD51C-Related Fanconi Anemia. Identifiers: Orphanet 84, MedGen C3150653, MONDO:0013248, OMIM 613390.

Submissions (3):

Baylor Genetics
Classification: Uncertain significance for Breast-ovarian cancer, familial, susceptibility to, 3. Last evaluated: 2023-12-20. Review status: criteria provided, single submitter. Criteria: ACMG Guidelines, 2015. Collection method: clinical testing. Allele origin: unknown.

Ambry Genetics
Classification: Uncertain significance for Hereditary cancer-predisposing syndrome. Last evaluated: 2022-10-19. Review status: criteria provided, single submitter. Criteria: Ambry Variant Classification Scheme 2023. Collection method: clinical testing. Allele origin: germline.
Comment: The p.M10V variant (also known as c.28A>G), located in coding exon 1 of the RAD51C gene, results from an A to G substitution at nucleotide position 28. The methionine at codon 10 is replaced by valine, an amino acid with highly similar properties. This amino acid position is conserved. In addition, the in silico prediction for this alteration is inconclusive. Since supporting evidence is limited at this time, the clinical significance of this alteration remains unclear.

Labcorp Genetics (formerly Invitae), Labcorp
Classification: Uncertain significance for Fanconi anemia complementation group O. Last evaluated: 2022-02-20. Review status: criteria provided, single submitter. Criteria: Invitae Variant Classification Sherloc (09022015). Collection method: clinical testing. Allele origin: germline.
Comment: This sequence change replaces methionine, which is neutral and non-polar, with valine, which is neutral and non-polar, at codon 10 of the RAD51C protein (p.Met10Val). This variant is not present in population databases (gnomAD no frequency). This variant has not been reported in the literature in individuals affected with RAD51C-related conditions. Algorithms developed to predict the effect of missense changes on protein structure and function are either unavailable or do not agree on the potential impact of this missense change (SIFT: "Tolerated"; PolyPhen-2: "Possibly Damaging"; Align-GVGD: "Class C0"). In summary, the available evidence is currently insufficient to determine the role of this variant in disease. Therefore, it has been classified as a Variant of Uncertain Significance.